The following is an entry in ClinVar:

NM_001256864.2(DNAJC6):c.2873G>T (p.Trp958Leu)

Gene: DNAJC6 (DnaJ heat shock protein family (Hsp40) member C6; plus strand). Cytogenetic location: 1p31.3.
Variant type: single nucleotide variant.
Coding change: c.2873G>T on transcript NM_001256864.2 (MANE Select); coding-DNA position 2873, G replaced by T.
Protein change: p.Trp958Leu; replaces tryptophan 958 with leucine.
Molecular consequence: missense variant.
Genome position (GRCh38, 1-based): chr1:65,412,985, G>T. VCF-style: chr1-65412985-G-T. GRCh37 (hg19) VCF-style: chr1-65878668-G-T.
Other names: c.2663G>T, p.Trp888Leu (NM_001256865.2); c.2702G>T, p.Trp901Leu (NM_014787.4); short protein forms W901L, W888L, W958L.
Identifiers: ClinVar variation 1481601 (VCV001481601.6), dbSNP rs1380186979, ClinGen allele CA340717700.

ClinVar aggregate classification (germline): Uncertain significance (1 of 4 stars; one submission).

Conditions:
Juvenile onset Parkinson disease 19A. Also called: PARK19; DNAJC6 Parkinson Disease. Identifiers: Orphanet 391411, MedGen C3809811, MONDO:0014231, OMIM 615528.

Allele frequency attached by ClinVar (database versions not stated): gnomAD 0.00001.

Submission:

Labcorp Genetics (formerly Invitae), Labcorp
Classification: Uncertain significance for Juvenile onset Parkinson disease 19A. Last evaluated: 2021-09-20. Review status: criteria provided, single submitter. Criteria: Invitae Variant Classification Sherloc (09022015). Collection method: clinical testing. Allele origin: germline.
Comment: In summary, the available evidence is currently insufficient to determine the role of this variant in disease. Therefore, it has been classified as a Variant of Uncertain Significance. Algorithms developed to predict the effect of missense changes on protein structure and function are either unavailable or do not agree on the potential impact of this missense change (SIFT: "Tolerated"; PolyPhen-2: "Probably Damaging"; Align-GVGD: "Class C0"). This variant has not been reported in the literature in individuals affected with DNAJC6-related conditions. This variant is not present in population databases (ExAC no frequency). This sequence change replaces tryptophan with leucine at codon 958 of the DNAJC6 protein (p.Trp958Leu). The tryptophan residue is highly conserved and there is a small physicochemical difference between tryptophan and leucine.